The following is an entry in ClinVar:

NM_005027.4(PIK3R2):c.1642G>A (p.Ala548Thr)

Gene: PIK3R2 (phosphoinositide-3-kinase regulatory subunit 2; plus strand). Cytogenetic location: 19p13.11.
Variant type: single nucleotide variant.
Coding change: c.1642G>A on transcript NM_005027.4 (MANE Select); coding-DNA position 1642, G replaced by A.
Protein change: p.Ala548Thr; replaces alanine 548 with threonine.
Molecular consequence: missense variant. On other transcripts: non-coding transcript variant (2).
Genome position (GRCh38, 1-based): chr19:18,167,212, G>A. VCF-style: chr19-18167212-G-A. GRCh37 (hg19) VCF-style: chr19-18278022-G-A.
Other names: short protein forms A548T.
Identifiers: ClinVar variation 3663968 (VCV003663968.2).

ClinVar aggregate classification (germline): Uncertain significance (1 of 4 stars; one submission).

Conditions:
Megalencephaly-polymicrogyria-postaxial polydactyly-hydrocephalus syndrome. Also called: MEG-PMG-MEGACC SYNDROME; MPPH Syndrome. Identifiers: Orphanet 83473, MedGen C1863924, MONDO:0019375.

Submission:

Labcorp Genetics (formerly Invitae), Labcorp
Classification: Uncertain significance for Megalencephaly-polymicrogyria-postaxial polydactyly-hydrocephalus syndrome. Last evaluated: 2024-08-29. Review status: criteria provided, single submitter. Criteria: Invitae Variant Classification Sherloc (09022015). Collection method: clinical testing. Allele origin: germline.
Comment: This sequence change replaces alanine, which is neutral and non-polar, with threonine, which is neutral and polar, at codon 548 of the PIK3R2 protein (p.Ala548Thr). This variant is not present in population databases (gnomAD no frequency). This variant has not been reported in the literature in individuals affected with PIK3R2-related conditions. Invitae Evidence Modeling of protein sequence and biophysical properties (such as structural, functional, and spatial information, amino acid conservation, physicochemical variation, residue mobility, and thermodynamic stability) indicates that this missense variant is not expected to disrupt PIK3R2 protein function with a negative predictive value of 80%. In summary, the available evidence is currently insufficient to determine the role of this variant in disease. Therefore, it has been classified as a Variant of Uncertain Significance.